The following is an entry in ClinVar:

NM_000512.5(GALNS):c.836ACA[1] (p.Asn280del)

Gene: GALNS (galactosamine (N-acetyl)-6-sulfatase; minus strand). Cytogenetic location: 16q24.3.
Variant type: Microsatellite.
Coding change: c.836ACA[1] on transcript NM_000512.5 (MANE Select); one copy of the 3-base unit ACA starting at c.836; the reference has two copies in a row; one copy, 3 bases deleted; also written c.839_841del.
Protein change: p.Asn280del; deletes asparagine 280.
Molecular consequence: inframe deletion.
Genome position (GRCh38, 1-based): chr16:88,835,270-88,835,272, TGT deleted on the plus strand (ACA on the coding strand, the reverse complement: GALNS is on the minus strand); deleting any 3 consecutive bases within chr16:88,835,270-88,835,275 gives the same sequence; the position shown is the placement nearest the transcript's 3' end. VCF-style (leftmost placement, unchanged base first): chr16-88835269-GTGT-G. GRCh37 (hg19) VCF-style: chr16-88901677-GTGT-G.
Other names: c.281ACA[1], p.Asn95del (NM_001323543.2); c.854ACA[1], p.Asn286del (NM_001323544.2); c.839_841delACA (NM_000512.5); c.839_841del (NM_000512.5); short protein forms N95del, N280del, N286del.
Identifiers: ClinVar variation 873054 (VCV000873054.8), dbSNP rs1389218771, ClinGen allele CA725640518.

ClinVar aggregate classification (germline): Conflicting classifications of pathogenicity. Review status: criteria provided, conflicting classifications (1 of 4 stars). 2 submissions from 2 submitters: Likely pathogenic (1); Uncertain significance (1). Last evaluated 2021-02-01.

Conditions:
Mucopolysaccharidosis, MPS-IV-A (MPS4A). Also called: MPS IVA; Morquio syndrome A, mild; GALACTOSAMINE-6-SULFATASE DEFICIENCY; GALNS DEFICIENCY; MORQUIO A DISEASE; Mucopolysaccharidosis type IV A. Identifiers: Orphanet 309297, Orphanet 582, MedGen C0086651, MONDO:0009659, OMIM 253000.

Submissions (2):

Laboratory of Diagnosis and Therapy of Lysosomal Disorders, University of Padova
Classification: Uncertain significance for Mucopolysaccharidosis, MPS-IV-A. Last evaluated: 2021-02-01. Review status: criteria provided, single submitter. Criteria: ACMG Guidelines, 2015. Collection method: research. Allele origin: germline. Affected: yes.
Comment: Absent from gnomAD v2.1.1 (PM2_moderate); protein length changes as a result of in-frame deletions in a nonrepeat region (PM4_supporting)

Foundation for Research in Genetics and Endocrinology, FRIGE's Institute of Human Genetics
Classification: Likely pathogenic for Mucopolysaccharidosis, MPS-IV-A. Review status: criteria provided, single submitter. Criteria: ACMG Guidelines, 2015. Collection method: clinical testing. Allele origin: germline. Inheritance: Autosomal recessive inheritance. Affected: yes. Observed: 1 compound heterozygote.
Comment: A compound heterozygous deletion variation in exon 8 of the GALNS gene that results in the premature termination of the protein at codon 280 was detected. The observed variant c.839_841delACA (p.Asn280del) has not been reported in the 1000 genomes, gnomAD and ExAC databases. The in silico prediction of the variant is damaging by MutationTaster2. The reference codon is conserved across species. In summary, the variant meets our criteria to be classified as likely pathogenic.

Literature cited by the submitters: PubMed 34387910 (cited by Laboratory of Diagnosis and Therapy of Lysosomal Disorders, University of Padova).